The following is an entry in ClinVar:

NM_001923.5(DDB1):c.2665C>T (p.Arg889Trp)

Gene: DDB1 (damage specific DNA binding protein 1; minus strand). Cytogenetic location: 11q12.2.
Variant type: single nucleotide variant.
Coding change: c.2665C>T on transcript NM_001923.5 (MANE Select); coding-DNA position 2665, C replaced by T.
Protein change: p.Arg889Trp; replaces arginine 889 with tryptophan.
Molecular consequence: missense variant.
Genome position (GRCh38, 1-based): chr11:61,304,032, G>A on the plus strand (C>T on the coding strand, the complement: DDB1 is on the minus strand). VCF-style: chr11-61304032-G-A. GRCh37 (hg19) VCF-style: chr11-61071504-G-A.
Other names: short protein forms R889W.
Identifiers: ClinVar variation 3774932 (VCV003774932.2).

ClinVar aggregate classification (germline): Uncertain significance (1 of 4 stars; one submission).

gnomAD v4.1: 3 of 1,613,794 alleles (0.00019%); highest among the groups gnomAD compares: Middle Eastern, 0.017%; no homozygotes.

Submission:

GeneDx
Classification: Uncertain significance. Last evaluated: 2025-05-27. Review status: criteria provided, single submitter. Criteria: GeneDx Variant Classification Process June 2021. Collection method: clinical testing. Allele origin: germline.
Comment: Not observed at significant frequency in large population cohorts (gnomAD); In silico analysis supports that this missense variant has a deleterious effect on protein structure/function; Has not been previously published as pathogenic or benign to our knowledge